The following is an entry in ClinVar:

ClinVar aggregate classification (germline): Uncertain significance (1 of 4 stars; one submission).

Conditions:
Hereditary pancreatitis (PCTT). Also called: PRSS1-Related Hereditary Pancreatitis; Hereditary chronic pancreatitis. Identifiers: Orphanet 676, MedGen C0238339, MONDO:0008185, OMIM 167800.

Submission:

Labcorp Genetics (formerly Invitae), Labcorp
Classification: Uncertain significance for Hereditary pancreatitis. Last evaluated: 2024-12-02. Review status: criteria provided, single submitter. Criteria: Invitae Variant Classification Sherloc (09022015). Collection method: clinical testing. Allele origin: germline.
Comment: This sequence change creates a premature translational stop signal (p.Gly214Valfs*4) in the CTRC gene. It is expected to result in an absent or disrupted protein product. However, the current clinical and genetic evidence is not sufficient to establish whether loss-of-function variants in CTRC cause disease. This variant is not present in population databases (gnomAD no frequency). This variant has not been reported in the literature in individuals affected with CTRC-related conditions. ClinVar contains an entry for this variant (Variation ID: 2864981). Algorithms developed to predict the effect of sequence changes on RNA splicing suggest that this variant may disrupt the consensus splice site. In summary, the available evidence is currently insufficient to determine the role of this variant in disease. Therefore, it has been classified as a Variant of Uncertain Significance.

NC_000001.11:g.15445598_15445607del

Gene: CTRC (chymotrypsin C; plus strand). Cytogenetic location: 1p36.21.
Variant type: Deletion.
Genome position: GRCh38 VCF-style: chr1-15445595-AGGGGGACTCC-A. GRCh37 (hg19) VCF-style: chr1-15772090-AGGGGGACTCC-A.
Identifiers: ClinVar variation 2864981 (VCV002864981.3), dbSNP rs2526303316, ClinGen allele CA2739272322.